The following is an entry in ClinVar:

NM_022089.4(ATP13A2):c.3040G>A (p.Gly1014Ser)

Gene: ATP13A2 (ATPase cation transporting 13A2; minus strand). Cytogenetic location: 1p36.13.
Variant type: single nucleotide variant.
Coding change: c.3040G>A on transcript NM_022089.4 (MANE Select); coding-DNA position 3040, G replaced by A.
Protein change: p.Gly1014Ser; replaces glycine 1014 with serine.
Molecular consequence: missense variant.
Genome position (GRCh38, 1-based): chr1:16,987,089, C>T on the plus strand (G>A on the coding strand, the complement: ATP13A2 is on the minus strand). VCF-style: chr1-16987089-C-T. GRCh37 (hg19) VCF-style: chr1-17313584-C-T.
Other names: c.3025G>A, p.Gly1009Ser (NM_001141973.3); c.2908G>A, p.Gly970Ser (NM_001141974.3); short protein forms G1009S, G1014S, G970S.
Identifiers: ClinVar variation 1014208 (VCV001014208.7), dbSNP rs202166353, ClinGen allele CA636635.

ClinVar aggregate classification (germline): Uncertain significance. Review status: criteria provided, multiple submitters, no conflicts (2 of 4 stars). 4 submissions from 4 submitters: Uncertain significance (4). Last evaluated 2025-07-01.

Conditions:
Kufor-Rakeb syndrome (KRS). Also called: PARKINSON DISEASE 9, AUTOSOMAL RECESSIVE, JUVENILE-ONSET. Identifiers: Orphanet 306674, Orphanet 314632, MedGen C1847640, MONDO:0011706, OMIM 606693.
Autosomal recessive spastic paraplegia type 78. Identifiers: Orphanet 513436, MedGen C5567893, MONDO:0014975, OMIM 617225.

Allele frequency attached by ClinVar (database versions not stated): ExAC 0.00012; gnomAD 0.00013 and 0.00017; TOPMed 0.00020; 1000 Genomes Project 0.00120; 1000 Genomes Project 30x 0.00141.
gnomAD v4.1: 51 of 1,613,428 alleles (0.0032%); highest among the groups gnomAD compares: East Asian, 0.025%; 1 homozygote.

Submissions (4):

Women's Health and Genetics/Laboratory Corporation of America, LabCorp
Classification: Uncertain significance. Last evaluated: 2025-07-01. Review status: criteria provided, single submitter. Criteria: LabCorp Variant Classification Summary - May 2015. Collection method: clinical testing. Allele origin: germline.
Comment: Variant summary: ATP13A2 c.3040G>A (p.Gly1014Ser) results in a non-conservative amino acid change in the encoded protein sequence. Algorithms developed to predict the effect of missense changes on protein structure and function are either unavailable or do not agree on the potential impact of this missense change. The variant allele was found at a frequency of 5.2e-05 in 248390 control chromosomes in the gnomAD database, including 1 homozygotes. This frequency is not significantly higher than estimated for a pathogenic variant in ATP13A2 causing Neurodegeneration With Brain Iron Accumulation (5.2e-05 vs 0.00019), allowing no conclusion about variant significance. c.3040G>A has been observed in individual(s) affected with Parkinson disease (Chen_2011 and Do_2023). These report(s) do not provide unequivocal conclusions about association of the variant with Neurodegeneration With Brain Iron Accumulation. The following publications have been ascertained in the context of this evaluation (PMID: 21714071, 36879366). ClinVar contains an entry for this variant (Variation ID: 1014208). Based on the evidence outlined above, the variant was classified as uncertain significance.

Labcorp Genetics (formerly Invitae), Labcorp
Classification: Uncertain significance for Kufor-Rakeb syndrome; Autosomal recessive spastic paraplegia type 78. Last evaluated: 2024-10-24. Review status: criteria provided, single submitter. Criteria: Invitae Variant Classification Sherloc (09022015). Collection method: clinical testing. Allele origin: germline.
Comment: This sequence change replaces glycine, which is neutral and non-polar, with serine, which is neutral and polar, at codon 1014 of the ATP13A2 protein (p.Gly1014Ser). This variant is present in population databases (rs202166353, gnomAD 0.04%). This missense change has been observed in individual(s) with Parkinson disease (PMID: 21714071, 36879366). ClinVar contains an entry for this variant (Variation ID: 1014208). Invitae Evidence Modeling of protein sequence and biophysical properties (such as structural, functional, and spatial information, amino acid conservation, physicochemical variation, residue mobility, and thermodynamic stability) indicates that this missense variant is not expected to disrupt ATP13A2 protein function with a negative predictive value of 80%. In summary, the available evidence is currently insufficient to determine the role of this variant in disease. Therefore, it has been classified as a Variant of Uncertain Significance.

Fulgent Genetics
Classification: Uncertain significance for Kufor-Rakeb syndrome; Autosomal recessive spastic paraplegia type 78. Last evaluated: 2021-09-21. Review status: criteria provided, single submitter. Criteria: ACMG Guidelines, 2015. Collection method: clinical testing. Allele origin: unknown.

Baylor Genetics
Classification: Uncertain significance for Kufor-Rakeb syndrome. Last evaluated: 2018-06-19. Review status: criteria provided, single submitter. Criteria: ACMG Guidelines, 2015. Collection method: clinical testing. Allele origin: unknown. Affected: yes.
Comment: This variant was determined to be of uncertain significance according to ACMG Guidelines, 2015 [PMID:25741868].

Literature cited by the submitters: PubMed 21714071 (cited by Women's Health and Genetics/Laboratory Corporation of America, LabCorp and Labcorp Genetics (formerly Invitae), Labcorp); PubMed 36879366 (cited by Women's Health and Genetics/Laboratory Corporation of America, LabCorp and Labcorp Genetics (formerly Invitae), Labcorp).